The following is an entry in ClinVar:

ClinVar aggregate classification (germline): Pathogenic. Review status: criteria provided, single submitter (1 of 4 stars). 2 submissions from 2 submitters: Pathogenic (1). 1 of the submissions does not count toward it. Last evaluated 2022-11-10.

Conditions:
Neurodevelopmental disorder with hypotonia, dysmorphic facies, and skin abnormalities (NEDHFS). Identifiers: MedGen C5774285, MONDO:0859347, OMIM 620191.

Submissions (2):

Labcorp Genetics (formerly Invitae), Labcorp
Classification: Pathogenic. Last evaluated: 2022-11-10. Review status: criteria provided, single submitter. Criteria: Invitae Variant Classification Sherloc (09022015). Collection method: clinical testing. Allele origin: germline.
Comment: This sequence change creates a premature translational stop signal (p.Asn372Ilefs*8) in the PGM2L1 gene. It is expected to result in an absent or disrupted protein product. Loss-of-function variants in PGM2L1 are known to be pathogenic (PMID: 33979636). This variant is not present in population databases (gnomAD no frequency). This premature translational stop signal has been observed in individual(s) with PGM2L1- related conditions (PMID: 33979636). ClinVar contains an entry for this variant (Variation ID: 1060646). For these reasons, this variant has been classified as Pathogenic.

OMIM
Classification: Pathogenic for NEURODEVELOPMENTAL DISORDER WITH HYPOTONIA, DYSMORPHIC FACIES, AND SKIN ABNORMALITIES. Last evaluated: 2023-01-11. Review status: no assertion criteria provided. Collection method: literature only. Allele origin: germline. Not counted in ClinVar's aggregate classification.

Literature cited by the submitters: PubMed 33979636 (cited by Labcorp Genetics (formerly Invitae), Labcorp and OMIM).

NM_173582.6(PGM2L1):c.1115del (p.Asn372fs)

Gene: PGM2L1 (phosphoglucomutase 2 like 1; minus strand). Cytogenetic location: 11q13.4.
Variant type: Deletion.
Coding change: c.1115del on transcript NM_173582.6 (MANE Select); coding-DNA position 1115, one base deleted (A; older notation c.1115delA).
Protein change: p.Asn372fs; shifts the reading frame from asparagine 372.
Molecular consequence: frameshift variant.
Genome position (GRCh38, 1-based): chr11:74,345,572, T deleted on the plus strand (A on the coding strand, the reverse complement: PGM2L1 is on the minus strand); the first of 5 consecutive T bases (chr11:74,345,572-74,345,576); deleting any one gives the same sequence. VCF-style (leftmost placement, unchanged base first): chr11-74345571-AT-A. GRCh37 (hg19) VCF-style: chr11-74056616-AT-A.
Other names: short protein forms N372fs.
Identifiers: ClinVar variation 1060646 (VCV001060646.7), dbSNP rs2134888290, ClinGen allele CA2499221299.